The following is an entry in ClinVar:

ClinVar aggregate classification (germline): Uncertain significance (1 of 4 stars; one submission).

Submission:

GeneDx
Classification: Uncertain significance. Last evaluated: 2023-11-10. Review status: criteria provided, single submitter. Criteria: GeneDx Variant Classification Process June 2021. Collection method: clinical testing. Allele origin: germline. Affected: yes.
Comment: Not observed at significant frequency in large population cohorts (gnomAD); In silico analysis supports that this missense variant has a deleterious effect on protein structure/function; Has not been previously published as pathogenic or benign to our knowledge

NM_139318.5(KCNH5):c.763G>A (p.Asp255Asn)

Gene: KCNH5 (potassium voltage-gated channel subfamily H member 5; minus strand). Cytogenetic location: 14q23.2.
Variant type: single nucleotide variant.
Coding change: c.763G>A on transcript NM_139318.5 (MANE Select); coding-DNA position 763, G replaced by A.
Protein change: p.Asp255Asn; replaces aspartic acid 255 with asparagine.
Molecular consequence: missense variant.
Genome position (GRCh38, 1-based): chr14:62,981,051, C>T on the plus strand (G>A on the coding strand, the complement: KCNH5 is on the minus strand). VCF-style: chr14-62981051-C-T. GRCh37 (hg19) VCF-style: chr14-63447769-C-T.
Other names: c.763G>A, p.Asp255Asn (NM_172375.3); short protein forms D255N.
Identifiers: ClinVar variation 3364176 (VCV003364176.1).
Genomic context (GRCh38, chr14:62,981,051, plus strand): 5'-CACCGGGCCCCACGAAAGTCGTGTGAAAATTTAAAACGATGTCAACCAGAAAAATAACGT[C>T]CACCACACTATCCAGTACCAGCCAGGCTATGTTGTTCTGCTTTGTTTTGAAGGAAACATT-3'
Protein context (NP_647479.2, residues 245-265): IAWLVLDSVV[Asp255Asn]VIFLVDIVLN